The following is an entry in ClinVar:

ClinVar aggregate classification (germline): Uncertain significance (0 of 4 stars; one submission).

Conditions:
TTN-related disorder. Also called: TTN-related disorders; TTN-related condition; TTN-related disease.

Submission:

PreventionGenetics, part of Exact Sciences
Classification: Uncertain significance for TTN-related condition. Last evaluated: 2024-09-23. Review status: no assertion criteria provided. Collection method: clinical testing. Allele origin: germline.
Comment: The TTN c.58250A>G variant is predicted to result in the amino acid substitution p.Lys19417Arg. To our knowledge, this variant has not been reported in the literature or in a large population database, indicating this variant is rare. This variant resides within the A-band of the TTN protein. RNAseq studies from heart tissue indicate this exon is commonly included in TTN mRNA transcripts (PSI of 90-100%, Roberts et al. 2015. PMID: 25589632). At this time, the clinical significance of this variant is uncertain due to the absence of conclusive functional and genetic evidence.

NM_001267550.2(TTN):c.58250A>G (p.Lys19417Arg)

Genes: TTN (titin; minus strand), TTN-AS1 (TTN antisense RNA 1; plus strand). Cytogenetic location: 2q31.2.
Variant type: single nucleotide variant.
Coding change: c.58250A>G on transcript NM_001267550.2 (MANE Select); coding-DNA position 58250, A replaced by G.
Protein change: p.Lys19417Arg; replaces lysine 19417 with arginine.
Molecular consequence: missense variant.
Genome position (GRCh38, 1-based): chr2:178,594,143, T>C on the plus strand (A>G on the coding strand, the complement: TTN is on the minus strand). VCF-style: chr2-178594143-T-C. GRCh37 (hg19) VCF-style: chr2-179458870-T-C.
Other names: c.53327A>G, p.Lys17776Arg (NM_001256850.1); c.31055A>G, p.Lys10352Arg (NM_003319.4); c.50546A>G, p.Lys16849Arg (NM_133378.4); c.31430A>G, p.Lys10477Arg (NM_133432.3); c.31631A>G, p.Lys10544Arg (NM_133437.4); short protein forms K10352R, K10477R, K10544R, K16849R, K17776R, K19417R.
Identifiers: ClinVar variation 3345449 (VCV003345449.1).